The following is an entry in ClinVar:

ClinVar aggregate classification (germline): Uncertain significance (1 of 4 stars; one submission).

Submission:

CeGaT Center for Human Genetics Tuebingen
Classification: Uncertain significance. Last evaluated: 2024-08-01. Review status: criteria provided, single submitter. Criteria: CeGaT Center For Human Genetics Tuebingen Variant Classification Criteria Version 2. Collection method: clinical testing. Allele origin: germline. Affected: yes. Observed: 1 variant allele.
Comment: NLRP12: PM2, PM4:Supporting

NM_144687.4(NLRP12):c.1947CTC[1] (p.Ser651del)

Gene: NLRP12 (NLR family pyrin domain containing 12; minus strand). Cytogenetic location: 19q13.42.
Variant type: Microsatellite.
Coding change: c.1947CTC[1] on transcript NM_144687.4 (MANE Select); one copy of the 3-base unit CTC starting at c.1947; the reference has two copies in a row; one copy, 3 bases deleted.
Protein change: p.Ser651del; deletes serine 651.
Molecular consequence: inframe deletion.
Genome position (GRCh38, 1-based): chr19:53,809,707-53,809,709, GAG deleted on the plus strand (CTC on the coding strand, the reverse complement: NLRP12 is on the minus strand); deleting any 3 consecutive bases within chr19:53,809,707-53,809,712 gives the same sequence; the position shown is the placement nearest the transcript's 3' end. VCF-style (leftmost placement, unchanged base first): chr19-53809706-CGAG-C. GRCh37 (hg19) VCF-style: chr19-54312960-CGAG-C.
Other names: c.1947CTC[1], p.Ser651del (NM_001277126.2, NM_001277129.1); short protein forms S651del.
Identifiers: ClinVar variation 3342023 (VCV003342023.16).